The following is an entry in ClinVar:

ClinVar aggregate classification (germline): Uncertain significance (1 of 4 stars; one submission).

gnomAD v4.1: 1 of 1,614,142 alleles (0.000062%); highest among the groups gnomAD compares: Non-Finnish European, 0.000085%; no homozygotes.

Submission:

GeneDx
Classification: Uncertain significance. Last evaluated: 2026-03-20. Review status: criteria provided, single submitter. Criteria: GeneDx Variant Classification Process June 2021. Collection method: clinical testing. Allele origin: germline.
Comment: Not observed at significant frequency in large population cohorts (gnomAD); In silico analysis supports that this missense variant has a deleterious effect on protein structure/function; Has not been previously published as pathogenic or benign to our knowledge

NM_152393.4(KLHL40):c.937G>C (p.Gly313Arg)

Gene: KLHL40 (kelch like family member 40; plus strand). Cytogenetic location: 3p22.1.
Variant type: single nucleotide variant.
Coding change: c.937G>C on transcript NM_152393.4 (MANE Select); coding-DNA position 937, G replaced by C.
Protein change: p.Gly313Arg; replaces glycine 313 with arginine.
Molecular consequence: missense variant.
Genome position (GRCh38, 1-based): chr3:42,686,555, G>C. VCF-style: chr3-42686555-G-C. GRCh37 (hg19) VCF-style: chr3-42728047-G-C.
Other names: short protein forms G313R.
Identifiers: ClinVar variation 2498018 (VCV002498018.2), dbSNP rs759912728, ClinGen allele CA352291792.